The following is an entry in ClinVar:

NM_206943.4(LTBP1):c.1034-8G>T

Gene: LTBP1 (latent transforming growth factor beta binding protein 1; plus strand). Cytogenetic location: 2p22.3.
Variant type: single nucleotide variant.
Coding change: c.1034-8G>T on transcript NM_206943.4 (MANE Select); 8 bases into the intron before coding-DNA position 1034, G replaced by T.
Molecular consequence: intron variant. On other transcripts: synonymous variant (24).
Genome position (GRCh38, 1-based): chr2:33,134,785, G>T. VCF-style: chr2-33134785-G-T. GRCh37 (hg19) VCF-style: chr2-33359852-G-T.
Other names: c.48G>T, p.Pro16= (NM_000627.4, NM_001166264.2, NM_001166265.2 and 21 more transcripts); c.1034-8G>T (NM_001394905.1); c.-188-8G>T (NM_001394916.1).
Identifiers: ClinVar variation 3770504 (VCV003770504.14).
Genomic context (GRCh38, chr2:33,134,785, plus strand): 5'-CCAAGGCAAGTTCATGGATACTAAGCTGATGTGTTTGTTGTTCTTTTTCTCCCTGCCTCC[G>T]CTCCTAGTGAGTAACCACACTGGCCGCATCAAGGTGGTCTTTACTCCGAGCATCTGTAAA-3'

ClinVar aggregate classification (germline): Likely benign. Review status: criteria provided, multiple submitters, no conflicts (2 of 4 stars). 2 submissions from 2 submitters: Likely benign (2). Last evaluated 2024-12-01.

gnomAD v4.1: 1,541 of 1,613,674 alleles (0.095%); highest among the groups gnomAD compares: Non-Finnish European, 0.1%; 3 homozygotes.

Submissions (2):

CeGaT Center for Human Genetics Tuebingen
Classification: Likely benign. Last evaluated: 2024-12-01. Review status: criteria provided, single submitter. Criteria: CeGaT Center For Human Genetics Tuebingen Variant Classification Criteria Version 2. Collection method: clinical testing. Allele origin: germline. Affected: yes. Observed: 1 variant allele.
Comment: LTBP1: BP4

Blueprint Genetics
Classification: Likely benign. Last evaluated: 2024-11-21. Review status: criteria provided, single submitter. Criteria: ACMG Guidelines, 2015. Collection method: clinical testing. Allele origin: germline.